The following is an entry in ClinVar:

NM_001145715.3(KPNA7):c.682C>T (p.Arg228Ter)

Gene: KPNA7 (karyopherin subunit alpha 7; minus strand). Cytogenetic location: 7q22.1.
Variant type: single nucleotide variant.
Coding change: c.682C>T on transcript NM_001145715.3 (MANE Select); coding-DNA position 682, C replaced by T.
Protein change: p.Arg228Ter; replaces arginine 228 with a stop codon.
Molecular consequence: nonsense.
Genome position (GRCh38, 1-based): chr7:99,188,518, G>A on the plus strand (C>T on the coding strand, the complement: KPNA7 is on the minus strand). VCF-style: chr7-99188518-G-A. GRCh37 (hg19) VCF-style: chr7-98786141-G-A.
Other names: short protein forms R228*.
Identifiers: ClinVar variation 1414054 (VCV001414054.6), dbSNP rs1179703795, ClinGen allele CA368420020.
Genomic context (GRCh38, chr7:99,188,518, plus strand): 5'-GAAGGAGGGCCGGCAGTATCTGCTTCACCGCAGTGTCGCAAGGGTATGGGTTCTTGTTTC[G>A]GCACAGATTCGACAAGGTCCACGTGATGTTCCGCAGAAATGTGATCTGTAACAAGGAGAC-3'

ClinVar aggregate classification (germline): Uncertain significance (1 of 4 stars; one submission).

Allele frequency attached by ClinVar (database versions not stated): gnomAD 0.00001 and 0.00002; gnomAD exomes 0.00001; TOPMed 0.00001.
gnomAD v4.1: 12 of 1,551,518 alleles (0.00077%); highest among the groups gnomAD compares: African/African-American, 0.0014%; no homozygotes.

Submission:

Labcorp Genetics (formerly Invitae), Labcorp
Classification: Uncertain significance. Last evaluated: 2025-05-21. Review status: criteria provided, single submitter. Criteria: Invitae Variant Classification Sherloc (09022015). Collection method: clinical testing. Allele origin: germline.
Comment: This sequence change creates a premature translational stop signal (p.Arg228*) in the KPNA7 gene. It is expected to result in an absent or disrupted protein product. However, the current clinical and genetic evidence is not sufficient to establish whether loss-of-function variants in KPNA7 cause disease. The frequency data for this variant in the population databases is considered unreliable, as metrics indicate poor data quality at this position in the gnomAD database. This variant has not been reported in the literature in individuals affected with KPNA7-related conditions. ClinVar contains an entry for this variant (Variation ID: 1414054). In summary, the available evidence is currently insufficient to determine the role of this variant in disease. Therefore, it has been classified as a Variant of Uncertain Significance.